The following is an entry in ClinVar:

NM_020843.4(SCAPER):c.2166-3C>G

Gene: SCAPER (S-phase cyclin A associated protein in the ER; minus strand). Cytogenetic location: 15q24.3.
Variant type: single nucleotide variant.
Coding change: c.2166-3C>G on transcript NM_020843.4 (MANE Select); 3 bases into the intron before coding-DNA position 2166, C replaced by G.
Molecular consequence: intron variant.
Genome position (GRCh38, 1-based): chr15:76,705,987, G>C on the plus strand (C>G on the coding strand, the complement: SCAPER is on the minus strand). VCF-style: chr15-76705987-G-C. GRCh37 (hg19) VCF-style: chr15-76998328-G-C.
Other names: c.1782-3C>G (NM_001353011.2); c.1764-3C>G (NM_001353012.2, NM_001353010.2); c.2184-3C>G (NM_001353009.2); c.1428-3C>G (NM_001145923.2).
Identifiers: ClinVar variation 800551 (VCV000800551.3), dbSNP rs1598279469, ClinGen allele CA915946080.
Genomic context (GRCh38, chr15:76,705,987, plus strand): 5'-CTCTTCCATAGCTTCTTGTTGAGCAGCTGTGAGTGCTGCCAATCGTTCTTCCCTGTCTCT[G>C]TAAGAAGACAGTAAAAATTATAAACTCAACTGCTTAAAGTAACAAATCTCATGAGACTCA-3'

ClinVar aggregate classification (germline): Likely pathogenic (0 of 4 stars; one submission).

Conditions:
Intellectual developmental disorder and retinitis pigmentosa; IDDRP. Also called: INTELLECTUAL DEVELOPMENTAL DISORDER AND RETINITIS PIGMENTOSA. Identifiers: MedGen C4748658, MONDO:0032594, OMIM 618195.

Submission:

New Leaf Center
Classification: Likely pathogenic for Intellectual developmental disorder and retinitis pigmentosa; IDDRP. Last evaluated: 2019-04-30. Review status: no assertion criteria provided. Collection method: clinical testing. Allele origin: inherited. Inheritance: Autosomal recessive inheritance. Affected: yes. Observed: 1 variant allele.